The following is an entry in ClinVar:

ClinVar aggregate classification (germline): Uncertain significance. Review status: criteria provided, multiple submitters, no conflicts (2 of 4 stars). 2 submissions from 2 submitters: Uncertain significance (2). Last evaluated 2024-05-07.

Conditions:
Perlman syndrome (PRLMNS). Identifiers: Orphanet 2849, MedGen C0796113, MONDO:0009965, OMIM 267000.

gnomAD v4.1: 2 of 1,613,910 alleles (0.00012%); highest among the groups gnomAD compares: Non-Finnish European, 0.00017%; no homozygotes.

Submissions (2):

Fulgent Genetics
Classification: Uncertain significance for Perlman syndrome. Last evaluated: 2024-05-07. Review status: criteria provided, single submitter. Criteria: ACMG Guidelines, 2015. Collection method: clinical testing. Allele origin: germline.

Labcorp Genetics (formerly Invitae), Labcorp
Classification: Uncertain significance for Perlman syndrome. Last evaluated: 2021-08-07. Review status: criteria provided, single submitter. Criteria: Invitae Variant Classification Sherloc (09022015). Collection method: clinical testing. Allele origin: germline.
Comment: This sequence change replaces lysine with threonine at codon 652 of the DIS3L2 protein (p.Lys652Thr). The lysine residue is moderately conserved and there is a moderate physicochemical difference between lysine and threonine. This variant has not been reported in the literature in individuals affected with DIS3L2-related conditions. In summary, the available evidence is currently insufficient to determine the role of this variant in disease. Therefore, it has been classified as a Variant of Uncertain Significance. Algorithms developed to predict the effect of missense changes on protein structure and function (SIFT, PolyPhen-2, Align-GVGD) all suggest that this variant is likely to be tolerated. This variant is not present in population databases (ExAC no frequency).

NM_152383.5(DIS3L2):c.1955A>C (p.Lys652Thr)

Gene: DIS3L2 (DIS3 like 3'-5' exoribonuclease 2; plus strand). Cytogenetic location: 2q37.1.
Variant type: single nucleotide variant.
Coding change: c.1955A>C on transcript NM_152383.5 (MANE Select); coding-DNA position 1955, A replaced by C.
Protein change: p.Lys652Thr; replaces lysine 652 with threonine.
Molecular consequence: missense variant. On other transcripts: non-coding transcript variant (2), intron variant (1).
Genome position (GRCh38, 1-based): chr2:232,330,721, A>C. VCF-style: chr2-232330721-A-C. GRCh37 (hg19) VCF-style: chr2-233195431-A-C.
Other names: c.1582-12624A>C (NM_001257281.2); short protein forms K652T.
Identifiers: ClinVar variation 1413623 (VCV001413623.7), dbSNP rs943191449, ClinGen allele CA66926681.
Genomic context (GRCh38, chr2:232,330,721, plus strand): 5'-TCACATAGGTTTCTGGGATTTGCTTCTAGAAAAGCCTGACCCAAACATTTGGAGATGACA[A>C]GTACTCACTGGCCCGCAAGGAGGTGCTCACCAACATGTGCTCCCGGCCCATGCAGGTAAG-3'
Protein context (NP_689596.4, residues 642-662): KSLTQTFGDD[Lys652Thr]YSLARKEVLT